The following is an entry in ClinVar:

NM_007363.5(NONO):c.1252A>G (p.Thr418Ala)

Gene: NONO (non-POU domain containing octamer binding; plus strand). Cytogenetic location: Xq13.1.
Variant type: single nucleotide variant.
Coding change: c.1252A>G on transcript NM_007363.5 (MANE Select); coding-DNA position 1252, A replaced by G.
Protein change: p.Thr418Ala; replaces threonine 418 with alanine.
Molecular consequence: missense variant.
Genome position (GRCh38, 1-based): chrX:71,298,787, A>G. VCF-style: chrX-71298787-A-G. GRCh37 (hg19) VCF-style: chrX-70518637-A-G.
Other names: c.1252A>G, p.Thr418Ala (NM_001145408.2, NM_001145409.2); c.985A>G, p.Thr329Ala (NM_001145410.2); short protein forms T329A, T418A.
Identifiers: ClinVar variation 3368174 (VCV003368174.1).

ClinVar aggregate classification (germline): Uncertain significance (1 of 4 stars; one submission).

Submission:

GeneDx
Classification: Uncertain significance. Last evaluated: 2024-01-20. Review status: criteria provided, single submitter. Criteria: GeneDx Variant Classification Process June 2021. Collection method: clinical testing. Allele origin: germline. Affected: yes.
Comment: Not observed at significant frequency in large population cohorts (gnomAD); In silico analysis supports that this missense variant does not alter protein structure/function; Has not been previously published as pathogenic or benign to our knowledge